The following is an entry in ClinVar:

NM_020297.4(ABCC9):c.2285T>G (p.Leu762Ter)

Gene: ABCC9 (ATP binding cassette subfamily C member 9; minus strand). Cytogenetic location: 12p12.1.
Variant type: single nucleotide variant.
Coding change: c.2285T>G on transcript NM_020297.4 (MANE Select); coding-DNA position 2285, T replaced by G.
Protein change: p.Leu762Ter; replaces leucine 762 with a stop codon.
Molecular consequence: nonsense.
Genome position (GRCh38, 1-based): chr12:21,863,007, A>C on the plus strand (T>G on the coding strand, the complement: ABCC9 is on the minus strand). VCF-style: chr12-21863007-A-C. GRCh37 (hg19) VCF-style: chr12-22015941-A-C.
Other names: c.2285T>G, p.Leu762Ter (NM_001377273.1, NM_005691.4); c.1418T>G, p.Leu473Ter (NM_001377274.1); short protein forms L762*, L473*.
Identifiers: ClinVar variation 518714 (VCV000518714.5), dbSNP rs1555192419, ClinGen allele CA384129939.

ClinVar aggregate classification (germline): Uncertain significance (1 of 4 stars; one submission).

Conditions:
Cardiovascular phenotype. Identifiers: MedGen CN230736.

Submission:

Ambry Genetics
Classification: Uncertain significance for Cardiovascular phenotype. Last evaluated: 2017-10-13. Review status: criteria provided, single submitter. Criteria: Ambry Variant Classification Scheme 2023. Collection method: clinical testing. Allele origin: germline.
Comment: The p.L762* variant (also known as c.2285T>G), located in coding exon 18 of the ABCC9 gene, results from a T to G substitution at nucleotide position 2285. This changes the amino acid from a leucine to a stop codon within coding exon 18. This alteration is expected to result in loss of function by premature protein truncation or nonsense-mediated mRNA decay. However, loss of function of ABCC9 has not been clearly established as a mechanism of disease. Since supporting evidence is limited at this time, the clinical significance of this alteration remains unclear.